The following is an entry in ClinVar:

ClinVar aggregate classification (germline): Uncertain significance (1 of 4 stars; one submission).

Conditions:
Familial hemophagocytic lymphohistiocytosis 5. Also called: STXBP2-Related Familial Hemophagocytic Lymphohistiocytosis (STXBP2-fHLH). Identifiers: Orphanet 540, MedGen C2751293, MONDO:0013135, OMIM 613101.

Allele frequency attached by ClinVar (database versions not stated): gnomAD exomes below 0.00001 and 0.00001; gnomAD 0.00001; TOPMed 0.00002.
gnomAD v4.1: 4 of 1,613,720 alleles (0.00025%); highest among the groups gnomAD compares: Admixed American, 0.005%; no homozygotes.

Submission:

Labcorp Genetics (formerly Invitae), Labcorp
Classification: Uncertain significance for Familial hemophagocytic lymphohistiocytosis 5. Last evaluated: 2022-03-01. Review status: criteria provided, single submitter. Criteria: Invitae Variant Classification Sherloc (09022015). Collection method: clinical testing. Allele origin: germline.
Comment: This sequence change replaces alanine, which is neutral and non-polar, with threonine, which is neutral and polar, at codon 397 of the STXBP2 protein (p.Ala397Thr). This variant is present in population databases (no rsID available, gnomAD 0.006%). This variant has not been reported in the literature in individuals affected with STXBP2-related conditions. Algorithms developed to predict the effect of missense changes on protein structure and function output the following: SIFT: "Tolerated"; PolyPhen-2: "Benign"; Align-GVGD: "Class C0". The threonine amino acid residue is found in multiple mammalian species, which suggests that this missense change does not adversely affect protein function. In summary, the available evidence is currently insufficient to determine the role of this variant in disease. Therefore, it has been classified as a Variant of Uncertain Significance.

NM_006949.4(STXBP2):c.1189G>A (p.Ala397Thr)

Gene: STXBP2 (syntaxin binding protein 2; plus strand). Cytogenetic location: 19p13.2.
Variant type: single nucleotide variant.
Coding change: c.1189G>A on transcript NM_006949.4 (MANE Select); coding-DNA position 1189, G replaced by A.
Protein change: p.Ala397Thr; replaces alanine 397 with threonine.
Molecular consequence: missense variant. On other transcripts: non-coding transcript variant (1).
Genome position (GRCh38, 1-based): chr19:7,644,695, G>A. VCF-style: chr19-7644695-G-A. GRCh37 (hg19) VCF-style: chr19-7709581-G-A.
Other names: c.1180G>A, p.Ala394Thr (NM_001127396.3); c.1222G>A, p.Ala408Thr (NM_001272034.2); short protein forms A397T, A408T, A394T.
Identifiers: ClinVar variation 1406063 (VCV001406063.9), dbSNP rs1295937505, ClinGen allele CA403161152.
Genomic context (GRCh38, chr19:7,644,695, plus strand): 5'-GCAGAGGGGGAGAAGATCAAGGACTCCATGAAGCTGATCGTTCCGGTGCTGCTGGACGCG[G>A]CGGTGCCCGCCTACGACAAGATCCGGGTCCTGCTGCTCTACATCCTCCTTCGGAATGGTG-3'
Protein context (NP_008880.2, residues 387-407): KLIVPVLLDA[Ala397Thr]VPAYDKIRVL